The following is an entry in ClinVar:

NM_000179.3(MSH6):c.554A>T (p.Lys185Ile)

Gene: MSH6 (mutS homolog 6; plus strand). Cytogenetic location: 2p16.3.
Variant type: single nucleotide variant.
Coding change: c.554A>T on transcript NM_000179.3 (MANE Select); coding-DNA position 554, A replaced by T.
Protein change: p.Lys185Ile; replaces lysine 185 with isoleucine.
Molecular consequence: missense variant. On other transcripts: 5 prime UTR variant (1), intron variant (2).
Genome position (GRCh38, 1-based): chr2:47,795,990, A>T. VCF-style: chr2-47795990-A-T. GRCh37 (hg19) VCF-style: chr2-48023129-A-T.
Other names: c.-349A>T (NM_001281494.2); c.-279-2621A>T (NM_001281493.2); c.238-2621A>T (NM_001281492.2); short protein forms K185I.
Identifiers: ClinVar variation 1467668 (VCV001467668.8), dbSNP rs2104235423, ClinGen allele CA346738755.

ClinVar aggregate classification (germline): Uncertain significance (1 of 4 stars; one submission).

Conditions:
Hereditary nonpolyposis colorectal neoplasms. Identifiers: MedGen C0009405, MeSH D003123.

Allele frequency attached by ClinVar (database versions not stated): gnomAD exomes below 0.00001.
gnomAD v4.1: 1 of 1,614,224 alleles (0.000062%); highest among the groups gnomAD compares: Non-Finnish European, 0.000085%; no homozygotes.

Submission:

Labcorp Genetics (formerly Invitae), Labcorp
Classification: Uncertain significance for Hereditary nonpolyposis colorectal neoplasms. Last evaluated: 2020-12-06. Review status: criteria provided, single submitter. Criteria: Invitae Variant Classification Sherloc (09022015). Collection method: clinical testing. Allele origin: germline.
Comment: This variant is not present in population databases (ExAC no frequency). In summary, the available evidence is currently insufficient to determine the role of this variant in disease. Therefore, it has been classified as a Variant of Uncertain Significance. Advanced modeling of protein sequence and biophysical properties (such as structural, functional, and spatial information, amino acid conservation, physicochemical variation, residue mobility, and thermodynamic stability) performed at Invitae indicates that this missense variant is not expected to disrupt MSH6 protein function. This variant has not been reported in the literature in individuals with MSH6-related conditions. This sequence change replaces lysine with isoleucine at codon 185 of the MSH6 protein (p.Lys185Ile). The lysine residue is weakly conserved and there is a moderate physicochemical difference between lysine and isoleucine.